The following is an entry in ClinVar:

ClinVar aggregate classification (germline): Uncertain significance. Review status: criteria provided, multiple submitters, no conflicts (2 of 4 stars). 2 submissions from 2 submitters: Uncertain significance (2). Last evaluated 2025-01-15.

Conditions:
TAOK2-related disorder. Also called: TAOK2-related condition.

gnomAD v4.1: 5 of 1,591,530 alleles (0.00031%); highest among the groups gnomAD compares: Admixed American, 0.0034%; no homozygotes.

Submissions (2):

PreventionGenetics, part of Exact Sciences
Classification: Uncertain significance for TAOK2-related condition. Last evaluated: 2025-01-15. Review status: criteria provided, single submitter. Criteria: ACMG Guidelines, 2015. Collection method: clinical testing. Allele origin: germline.
Comment: The TAOK2 c.1260+4C>G variant is predicted to interfere with splicing. This variant is predicted to weaken the splice donor site (SpliceAI, Jaganathan et al. 2019. PubMed ID: 30661751). To our knowledge, this variant has not been reported in the literature. This variant is reported in 0.00095% of alleles in individuals of European (Non-Finnish) descent in gnomAD. At this time, the clinical significance of this variant is uncertain due to the absence of conclusive functional and genetic evidence.

Labcorp Genetics (formerly Invitae), Labcorp
Classification: Uncertain significance. Last evaluated: 2024-08-28. Review status: criteria provided, single submitter. Criteria: Invitae Variant Classification Sherloc (09022015). Collection method: clinical testing. Allele origin: germline.
Comment: This sequence change falls in intron 12 of the TAOK2 gene. It does not directly change the encoded amino acid sequence of the TAOK2 protein. It affects a nucleotide within the consensus splice site. This variant is present in population databases (rs769082388, gnomAD 0.001%). This variant has not been reported in the literature in individuals affected with TAOK2-related conditions. Variants that disrupt the consensus splice site are a relatively common cause of aberrant splicing (PMID: 17576681, 9536098). Algorithms developed to predict the effect of sequence changes on RNA splicing suggest that this variant may disrupt the consensus splice site. In summary, the available evidence is currently insufficient to determine the role of this variant in disease. Therefore, it has been classified as a Variant of Uncertain Significance.

Literature cited by the submitters: PubMed 17576681 (cited by Labcorp Genetics (formerly Invitae), Labcorp); PubMed 9536098 (cited by Labcorp Genetics (formerly Invitae), Labcorp).

NM_016151.4(TAOK2):c.1260+4C>G

Gene: TAOK2 (TAO kinase 2; plus strand). Cytogenetic location: 16p11.2.
Variant type: single nucleotide variant.
Coding change: c.1260+4C>G on transcript NM_016151.4 (MANE Select); 4 bases into the intron after coding-DNA position 1260, C replaced by G.
Molecular consequence: intron variant.
Genome position (GRCh38, 1-based): chr16:29,983,336, C>G. VCF-style: chr16-29983336-C-G. GRCh37 (hg19) VCF-style: chr16-29994657-C-G.
Other names: c.1260+4C>G (NM_004783.4, NM_001252043.2, NM_016151.3).
Identifiers: ClinVar variation 3657427 (VCV003657427.3).